The following is an entry in ClinVar:

NM_013266.4(CTNNA3):c.104C>A (p.Thr35Asn)

Gene: CTNNA3 (catenin alpha 3; minus strand). Cytogenetic location: 10q21.3.
Variant type: single nucleotide variant.
Coding change: c.104C>A on transcript NM_013266.4 (MANE Select); coding-DNA position 104, C replaced by A.
Protein change: p.Thr35Asn; replaces threonine 35 with asparagine.
Molecular consequence: missense variant.
Genome position (GRCh38, 1-based): chr10:67,607,045, G>T on the plus strand (C>A on the coding strand, the complement: CTNNA3 is on the minus strand). VCF-style: chr10-67607045-G-T. GRCh37 (hg19) VCF-style: chr10-69366803-G-T.
Other names: c.104C>A, p.Thr35Asn (NM_001127384.3); c.140C>A, p.Thr47Asn (NM_001291133.2); c.104C>A (NM_013266.2); short protein forms T47N, T35N.
Identifiers: ClinVar variation 3637589 (VCV003637589.3).

ClinVar aggregate classification (germline): Uncertain significance. Review status: criteria provided, multiple submitters, no conflicts (2 of 4 stars). 2 submissions from 2 submitters: Uncertain significance (2). Last evaluated 2025-11-13.

Conditions:
Arrhythmogenic right ventricular dysplasia 13. Also called: ARRHYTHMOGENIC RIGHT VENTRICULAR CARDIOMYOPATHY 13; Arrhythmogenic right ventricular dysplasia, familial, 13. Identifiers: MedGen C3810138, MONDO:0000908, OMIM 615616.

gnomAD v4.1: 2 of 1,608,894 alleles (0.00012%); highest among the groups gnomAD compares: African/African-American, 0.0027%; no homozygotes.

Submissions (2):

Ambry Genetics
Classification: Uncertain significance. Last evaluated: 2025-11-13. Review status: criteria provided, single submitter. Criteria: Ambry Variant Classification Scheme 2023. Collection method: clinical testing. Allele origin: germline.

Labcorp Genetics (formerly Invitae), Labcorp
Classification: Uncertain significance for Arrhythmogenic right ventricular dysplasia 13. Last evaluated: 2024-05-08. Review status: criteria provided, single submitter. Criteria: Invitae Variant Classification Sherloc (09022015). Collection method: clinical testing. Allele origin: germline.
Comment: This sequence change replaces threonine, which is neutral and polar, with asparagine, which is neutral and polar, at codon 35 of the CTNNA3 protein (p.Thr35Asn). This variant is present in population databases (no rsID available, gnomAD 0.007%). This variant has not been reported in the literature in individuals affected with CTNNA3-related conditions. Advanced modeling of protein sequence and biophysical properties (such as structural, functional, and spatial information, amino acid conservation, physicochemical variation, residue mobility, and thermodynamic stability) performed at Invitae indicates that this missense variant is not expected to disrupt CTNNA3 protein function with a negative predictive value of 80%. In summary, the available evidence is currently insufficient to determine the role of this variant in disease. Therefore, it has been classified as a Variant of Uncertain Significance.